The following is an entry in ClinVar:

ClinVar aggregate classification (germline): Likely pathogenic (1 of 4 stars; one submission).

Conditions:
Mucopolysaccharidosis, MPS-III-B (MPS3B). Also called: MPS IIIB (Sanfilippo Syndrome Type B); MUCOPOLYSACCHARIDOSIS, TYPE IIIB; Mucopolysaccharidosis type IIIB (Sanfilippo B); N-ACETYL-ALPHA-D-GLUCOSAMINIDASE DEFICIENCY; NAGLU DEFICIENCY; SANFILIPPO SYNDROME B. Identifiers: Orphanet 79270, MedGen C0086648, MONDO:0009656, OMIM 252920.

Allele frequency attached by ClinVar (database versions not stated): gnomAD exomes below 0.00001.

Submission:

Human Genetics Unit, University Of Colombo
Classification: Likely pathogenic for Mucopolysaccharidosis, MPS-III-B. Last evaluated: 2018-04-14. Review status: criteria provided, single submitter. Criteria: ACMG Guidelines, 2015. Collection method: clinical testing. Allele origin: germline. Inheritance: Autosomal recessive inheritance. Affected: yes. Observed: 1 homozygote.
Comment: (PMID: 29881562), and was absent from large population studies. This variant causes non-conservative substitution of amino acids; i.e. substitution of Proline by Leucine may result in the alteration of the structure of the protein. In silico analysis concluded this variant as disease-causing. According to ACMG criteria (2015), this variant can be classified as likely pathogenic (II). Evidence: PS4, PM1, PM2, PP4

Literature cited by the submitters: PubMed 29881562.

NM_000263.4(NAGLU):c.587C>T (p.Pro196Leu)

Gene: NAGLU (N-acetyl-alpha-glucosaminidase; plus strand). Cytogenetic location: 17q21.2.
Variant type: single nucleotide variant.
Coding change: c.587C>T on transcript NM_000263.4 (MANE Select); coding-DNA position 587, C replaced by T.
Protein change: p.Pro196Leu; replaces proline 196 with leucine.
Molecular consequence: missense variant.
Genome position (GRCh38, 1-based): chr17:42,538,394, C>T. VCF-style: chr17-42538394-C-T. GRCh37 (hg19) VCF-style: chr17-40690412-C-T.
Other names: short protein forms P196L.
Identifiers: ClinVar variation 973948 (VCV000973948.4), dbSNP rs1599255987, ClinGen allele CA399598450.